The following is an entry in ClinVar:

ClinVar aggregate classification (germline): Uncertain significance (1 of 4 stars; one submission).

Conditions:
Familial temporal lobe epilepsy 7. Identifiers: Orphanet 101046, MedGen C4225327, MONDO:0014639, OMIM 616436.
Norman-Roberts syndrome (LIS2). Also called: Lissencephaly 2 (Norman-Roberts type). Identifiers: Orphanet 89844, MedGen C0796089, MONDO:0009760, OMIM 257320.

Submission:

Labcorp Genetics (formerly Invitae), Labcorp
Classification: Uncertain significance for Familial temporal lobe epilepsy 7; Norman-Roberts syndrome. Last evaluated: 2023-04-15. Review status: criteria provided, single submitter. Criteria: Invitae Variant Classification Sherloc (09022015). Collection method: clinical testing. Allele origin: germline.
Comment: This sequence change replaces serine, which is neutral and polar, with threonine, which is neutral and polar, at codon 1877 of the RELN protein (p.Ser1877Thr). In summary, the available evidence is currently insufficient to determine the role of this variant in disease. Therefore, it has been classified as a Variant of Uncertain Significance. Advanced modeling of protein sequence and biophysical properties (such as structural, functional, and spatial information, amino acid conservation, physicochemical variation, residue mobility, and thermodynamic stability) performed at Invitae indicates that this missense variant is not expected to disrupt RELN protein function. This variant has not been reported in the literature in individuals affected with RELN-related conditions. This variant is not present in population databases (gnomAD no frequency).

NM_005045.4(RELN):c.5629T>A (p.Ser1877Thr)

Gene: RELN (reelin; minus strand). Cytogenetic location: 7q22.1.
Variant type: single nucleotide variant.
Coding change: c.5629T>A on transcript NM_005045.4 (MANE Select); coding-DNA position 5629, T replaced by A.
Protein change: p.Ser1877Thr; replaces serine 1877 with threonine.
Molecular consequence: missense variant.
Genome position (GRCh38, 1-based): chr7:103,557,145, A>T on the plus strand (T>A on the coding strand, the complement: RELN is on the minus strand). VCF-style: chr7-103557145-A-T. GRCh37 (hg19) VCF-style: chr7-103197592-A-T.
Other names: c.5629T>A, p.Ser1877Thr (NM_173054.3); short protein forms S1877T.
Identifiers: ClinVar variation 2934458 (VCV002934458.3), dbSNP rs2484726507, ClinGen allele CA368742034.